The following is an entry in ClinVar:

NM_001128840.3(CACNA1D):c.4634T>G (p.Met1545Arg)

Gene: CACNA1D (calcium voltage-gated channel subunit alpha1 D; plus strand). Cytogenetic location: 3p21.1.
Variant type: single nucleotide variant.
Coding change: c.4634T>G on transcript NM_001128840.3 (MANE Select); coding-DNA position 4634, T replaced by G.
Protein change: p.Met1545Arg; replaces methionine 1545 with arginine.
Molecular consequence: missense variant.
Genome position (GRCh38, 1-based): chr3:53,780,072, T>G. VCF-style: chr3-53780072-T-G. GRCh37 (hg19) VCF-style: chr3-53814099-T-G.
Other names: c.4694T>G, p.Met1565Arg (NM_000720.4); c.4589T>G, p.Met1530Arg (NM_001128839.3); short protein forms M1530R, M1545R, M1565R.
Identifiers: ClinVar variation 1409882 (VCV001409882.6), dbSNP rs1339246076, ClinGen allele CA353244835.
Genomic context (GRCh38, chr3:53,780,072, plus strand): 5'-CTTTCTGTTTACAGAGATTAGTTGCCATGAACATGCCTCTCAACAGTGACGGGACAGTCA[T>G]GTTTAATGCAACCCTGTTTGCTTTGGTTCGAACGGCTCTTAAGATCAAGACCGAAGGTGA-3'
Protein context (NP_001122312.1, residues 1535-1555): NMPLNSDGTV[Met1545Arg]FNATLFALVR

ClinVar aggregate classification (germline): Uncertain significance (1 of 4 stars; one submission).

Submission:

Labcorp Genetics (formerly Invitae), Labcorp
Classification: Uncertain significance. Last evaluated: 2021-08-07. Review status: criteria provided, single submitter. Criteria: Invitae Variant Classification Sherloc (09022015). Collection method: clinical testing. Allele origin: germline.
Comment: This variant has not been reported in the literature in individuals affected with CACNA1D-related conditions. This variant is not present in population databases (ExAC no frequency). This sequence change replaces methionine with arginine at codon 1565 of the CACNA1D protein (p.Met1565Arg). The methionine residue is highly conserved and there is a moderate physicochemical difference between methionine and arginine. Algorithms developed to predict the effect of missense changes on protein structure and function are either unavailable or do not agree on the potential impact of this missense change (SIFT: "Deleterious"; PolyPhen-2: "Probably Damaging"; Align-GVGD: "Class C0"). In summary, the available evidence is currently insufficient to determine the role of this variant in disease. Therefore, it has been classified as a Variant of Uncertain Significance.